The following is an entry in ClinVar:

NM_000069.3(CACNA1S):c.2542G>T (p.Val848Phe)

Gene: CACNA1S (calcium voltage-gated channel subunit alpha1 S; minus strand). Cytogenetic location: 1q32.1.
Variant type: single nucleotide variant.
Coding change: c.2542G>T on transcript NM_000069.3 (MANE Select); coding-DNA position 2542, G replaced by T.
Protein change: p.Val848Phe; replaces valine 848 with phenylalanine.
Molecular consequence: missense variant.
Genome position (GRCh38, 1-based): chr1:201,069,145, C>A on the plus strand (G>T on the coding strand, the complement: CACNA1S is on the minus strand). VCF-style: chr1-201069145-C-A. GRCh37 (hg19) VCF-style: chr1-201038273-C-A.
Other names: short protein forms V848F.
Identifiers: ClinVar variation 3071120 (VCV003071120.1), dbSNP rs1661358358, ClinGen allele CA344105659.

ClinVar aggregate classification (germline): Uncertain significance (1 of 4 stars; one submission).

Conditions:
Malignant hyperthermia, susceptibility to, 5 (MHS5). Also called: CACNA1S-Related Malignant Hyperthermia Susceptibility. Identifiers: Orphanet 423, MedGen C1866077, MONDO:0011163, OMIM 601887.

Submission:

All of Us Research Program, National Institutes of Health
Classification: Uncertain significance for Malignant hyperthermia, susceptibility to, 5. Last evaluated: 2023-05-16. Review status: criteria provided, single submitter. Criteria: ACMG Guidelines, 2015. Collection method: clinical testing. Allele origin: germline. Inheritance: Autosomal dominant inheritance. Observed: 1 variant allele, 1 heterozygote.
Comment: This missense variant replaces valine with phenylalanine at codon 848 of the CACNA1S protein. Computational prediction suggests that this variant may have deleterious impact on protein structure and function (internally defined REVEL score threshold >= 0.7, PMID: 27666373). To our knowledge, functional studies have not been reported for this variant. This variant has not been reported in individuals affected with CACNA1S-related disorders in the literature. This variant has not been identified in the general population by the Genome Aggregation Database (gnomAD). The available evidence is insufficient to determine the role of this variant in disease conclusively. Therefore, this variant is classified as a Variant of Uncertain Significance.

This study involves interpretation of variants in research participants for the purpose of population health screening. Participant phenotype was not available at the time of variant classification. Additional details can be found in publication PMID: 35346344, PMCID: PMC8962531